The following is an entry in ClinVar:

ClinVar aggregate classification (germline): Likely pathogenic (1 of 4 stars; one submission).

Conditions:
Alzheimer disease 3 (AD3). Also called: ALZHEIMER DISEASE, FAMILIAL, 3. Identifiers: Orphanet 1020, MedGen C1843013, MONDO:0011913, OMIM 607822.
Frontotemporal dementia (FTD1). Also called: Frontotemporal lobe dementia (FLDEM); MULTIPLE SYSTEM TAUOPATHY WITH PRESENILE DEMENTIA; Frontotemporal Dementia with Parkinsonism-17 (FTDP-17); WILHELMSEN-LYNCH DISEASE; FRONTOTEMPORAL DEMENTIA WITH PARKINSONISM; FRONTOTEMPORAL LOBE DEMENTIA. Identifiers: Orphanet 282, MedGen C0338451, MONDO:0017276, OMIM 600274, HP:0002145.
Pick disease. Also called: LOBAR ATROPHY OF BRAIN; Pick's disease; DEMENTIA WITH LOBAR ATROPHY AND NEURONAL CYTOPLASMIC INCLUSIONS; PICK DISEASE OF BRAIN; Pick Disease of the Brain. Identifiers: Orphanet 282, MedGen C0236642, MONDO:0008243, OMIM 172700.
Acne inversa, familial, 3 (ACNINV3). Identifiers: MedGen C3151038, MONDO:0013398, OMIM 613737.

Submission:

Labcorp Genetics (formerly Invitae), Labcorp
Classification: Likely pathogenic for Alzheimer disease 3; Pick disease; Acne inversa, familial, 3; Frontotemporal dementia. Last evaluated: 2022-05-21. Review status: criteria provided, single submitter. Criteria: Invitae Variant Classification Sherloc (09022015). Collection method: clinical testing. Allele origin: germline.
Comment: In summary, the currently available evidence indicates that the variant is pathogenic, but additional data are needed to prove that conclusively. Therefore, this variant has been classified as Likely Pathogenic. This variant disrupts the p.Met84 amino acid residue in PSEN1. Other variant(s) that disrupt this residue have been determined to be pathogenic (PMID: 23752245, 28532646, 30021643, 32087291). This suggests that this residue is clinically significant, and that variants that disrupt this residue are likely to be disease-causing. Advanced modeling of protein sequence and biophysical properties (such as structural, functional, and spatial information, amino acid conservation, physicochemical variation, residue mobility, and thermodynamic stability) performed at Invitae indicates that this missense variant is expected to disrupt PSEN1 protein function. This sequence change replaces methionine, which is neutral and non-polar, with isoleucine, which is neutral and non-polar, at codon 84 of the PSEN1 protein (p.Met84Ile). This variant is not present in population databases (gnomAD no frequency). This variant has not been reported in the literature in individuals affected with PSEN1-related conditions.

Literature cited by the submitters: PubMed 23752245; PubMed 28532646; PubMed 30021643; PubMed 32087291.

NM_000021.4(PSEN1):c.252G>C (p.Met84Ile)

Gene: PSEN1 (presenilin 1; plus strand). Cytogenetic location: 14q24.2.
Variant type: single nucleotide variant.
Coding change: c.252G>C on transcript NM_000021.4 (MANE Select); coding-DNA position 252, G replaced by C.
Protein change: p.Met84Ile; replaces methionine 84 with isoleucine.
Molecular consequence: missense variant.
Genome position (GRCh38, 1-based): chr14:73,170,961, G>C. VCF-style: chr14-73170961-G-C. GRCh37 (hg19) VCF-style: chr14-73637669-G-C.
Other names: c.240G>C, p.Met80Ile (NM_007318.3); short protein forms M84I, M80I.
Identifiers: ClinVar variation 1997508 (VCV001997508.4), dbSNP rs2503063102, ClinGen allele CA390303235.